The following is an entry in ClinVar:

NM_002471.4(MYH6):c.3085C>G (p.Leu1029Val)

Gene: MYH6 (myosin heavy chain 6; minus strand). Cytogenetic location: 14q11.2.
Variant type: single nucleotide variant.
Coding change: c.3085C>G on transcript NM_002471.4 (MANE Select); coding-DNA position 3085, C replaced by G.
Protein change: p.Leu1029Val; replaces leucine 1029 with valine.
Molecular consequence: missense variant.
Genome position (GRCh38, 1-based): chr14:23,393,362, G>C on the plus strand (C>G on the coding strand, the complement: MYH6 is on the minus strand). VCF-style: chr14-23393362-G-C. GRCh37 (hg19) VCF-style: chr14-23862571-G-C.
Other names: c.3085C>G (NM_002471.3); short protein forms L1029V.
Identifiers: ClinVar variation 1299862 (VCV001299862.4), dbSNP rs1044563809, ClinGen allele CA389010224.

ClinVar aggregate classification (germline): Uncertain significance. Review status: criteria provided, single submitter (1 of 4 stars). 3 submissions from 3 submitters: Uncertain significance (1). 2 of the submissions do not count toward it. Last evaluated 2022-12-01.

Conditions:
Cardiovascular phenotype. Identifiers: MedGen CN230736.

Allele frequency attached by ClinVar (database versions not stated): gnomAD exomes below 0.00001.

Submissions (3):

Ambry Genetics
Classification: Uncertain significance for Cardiovascular phenotype. Last evaluated: 2022-12-01. Review status: criteria provided, single submitter. Criteria: Ambry Variant Classification Scheme 2023. Collection method: clinical testing. Allele origin: germline.
Comment: The p.L1029V variant (also known as c.3085C>G), located in coding exon 21 of the MYH6 gene, results from a C to G substitution at nucleotide position 3085. The leucine at codon 1029 is replaced by valine, an amino acid with highly similar properties. This amino acid position is conserved. In addition, the in silico prediction for this alteration is inconclusive. Since supporting evidence is limited at this time, the clinical significance of this alteration remains unclear.

Clinical Genetics, Academic Medical Center
Classification: Uncertain significance. Review status: no assertion criteria provided. Collection method: clinical testing. Allele origin: germline. Affected: yes. Study: VKGL Data-share Consensus. Not counted in ClinVar's aggregate classification.

Diagnostic Laboratory, Department of Genetics, University Medical Center Groningen
Classification: Uncertain significance. Review status: no assertion criteria provided. Collection method: clinical testing. Allele origin: germline. Affected: yes. Study: VKGL Data-share Consensus. Not counted in ClinVar's aggregate classification.